The following is an entry in ClinVar:

ClinVar aggregate classification (germline): Pathogenic (1 of 4 stars; one submission).

Submission:

Labcorp Genetics (formerly Invitae), Labcorp
Classification: Pathogenic. Last evaluated: 2023-05-30. Review status: criteria provided, single submitter. Criteria: Invitae Variant Classification Sherloc (09022015). Collection method: clinical testing. Allele origin: germline.
Comment: For these reasons, this variant has been classified as Pathogenic. This variant has not been reported in the literature in individuals affected with LOXHD1-related conditions. This variant is not present in population databases (gnomAD no frequency). This sequence change creates a premature translational stop signal (p.Trp1536*) in the LOXHD1 gene. It is expected to result in an absent or disrupted protein product. Loss-of-function variants in LOXHD1 are known to be pathogenic (PMID: 19732867, 21465660, 25792669).

Literature cited by the submitters: PubMed 19732867; PubMed 21465660; PubMed 25792669.

NM_001384474.1(LOXHD1):c.4607G>A (p.Trp1536Ter)

Gene: LOXHD1 (lipoxygenase homology PLAT domains 1; minus strand). Cytogenetic location: 18q21.1.
Variant type: single nucleotide variant.
Coding change: c.4607G>A on transcript NM_001384474.1 (MANE Select); coding-DNA position 4607, G replaced by A.
Protein change: p.Trp1536Ter; replaces tryptophan 1536 with a stop codon.
Molecular consequence: nonsense.
Genome position (GRCh38, 1-based): chr18:46,524,841, C>T on the plus strand (G>A on the coding strand, the complement: LOXHD1 is on the minus strand). VCF-style: chr18-46524841-C-T. GRCh37 (hg19) VCF-style: chr18-44104804-C-T.
Other names: c.1274G>A, p.Trp425Ter (NM_001145472.3); c.986G>A, p.Trp329Ter (NM_001308013.2); c.4607G>A, p.Trp1536Ter (NM_144612.7); short protein forms W1536*, W329*, W425*.
Identifiers: ClinVar variation 2750296 (VCV002750296.3), dbSNP rs760081421, ClinGen allele CA402373415.